The following is an entry in ClinVar:

ClinVar aggregate classification (germline): Pathogenic/Likely pathogenic. Review status: criteria provided, multiple submitters, no conflicts (2 of 4 stars). 12 submissions from 12 submitters: Pathogenic (9); Likely pathogenic (1). 2 of the submissions do not count toward it. Last evaluated 2026-01-06.

Conditions:
GCDH-related disorder. Also called: GCDH-related condition.
Glutaric aciduria, type 1. Also called: Glutaric acidemia type I; Glutaricacidemia Type 1; Glutaryl-CoA dehydrogenase deficiency; Glutaricaciduria, type I; Glutaric Acidemia Type 1; GA I. Identifiers: Orphanet 25, MedGen C0268595, MONDO:0009281, OMIM 231670.

Allele frequency attached by ClinVar (database versions not stated): ExAC 0.00001; gnomAD 0.00001; TOPMed 0.00001; gnomAD exomes 0.00004.
gnomAD v4.1: 27 of 1,613,980 alleles (0.0017%); highest among the groups gnomAD compares: East Asian, 0.0045%; no homozygotes.

Submissions (12):

Natera, Inc.
Classification: Pathogenic for Glutaric acidemia type 1. Last evaluated: 2026-01-06. Review status: criteria provided, single submitter. Criteria: Natera Variant Classification Schema (03/2026). Collection method: clinical testing. Allele origin: germline.
Comment: The c.482G>A variant in GCDH is a missense variant predicted to cause substitution of arginine to glutamine at amino acid 161. This variant is rare in the general population with a frequency below the threshold expected for the associated phenotype(s). This variant has been observed in one or more individuals affected with the associated recessive disease, as either homozygous or compound heterozygous with a second variant (PMID: 26593172, 31062211, 28186668). A different variant at the same position has been determined to be Pathogenic or Likely Pathogenic. Computational prediction algorithms indicate this variant is likely to affect gene or protein function. Given the available evidence, this variant is classified as Pathogenic.

3billion
Classification: Pathogenic for Glutaric aciduria, type 1. Last evaluated: 2024-07-30. Review status: criteria provided, single submitter. Criteria: ACMG Guidelines, 2015. Collection method: clinical testing. Allele origin: germline. Affected: yes.
Comment: The variant is observed at an extremely low frequency in the gnomAD v4.0.0 dataset (total allele frequency: 0.002%). Predicted Consequence/Location: Missense variant In silico tool predictions suggest damaging effect of the variant on gene or gene product [REVEL: 0.64 (>=0.6, sensitivity 0.68 and specificity 0.92); 3Cnet: 0.99 (>=0.6, sensitivity 0.72 and precision 0.9)]. The same nucleotide change resulting in the same amino acid change has been previously reported as pathogenic/likely pathogenic with strong evidence (ClinVar ID: VCV000188789 /PMID: 9600243). A different missense change at the same codon (p.Arg161Trp) has been reported as pathogenic/likely pathogenic with strong evidence (ClinVar ID: VCV000850424 /PMID: 31062211). Therefore, this variant is classified as Pathogenic according to the recommendation of ACMG/AMP guideline.

Blueprint Genetics
Classification: Pathogenic for GCDH-related disorders. Last evaluated: 2024-04-17. Review status: criteria provided, single submitter. Criteria: ACMG Guidelines, 2015. Collection method: clinical testing. Allele origin: germline. Affected: yes. Observed: 1 variant allele.

Labcorp Genetics (formerly Invitae), Labcorp
Classification: Pathogenic for Glutaric aciduria, type 1. Last evaluated: 2024-03-18. Review status: criteria provided, single submitter. Criteria: Invitae Variant Classification Sherloc (09022015). Collection method: clinical testing. Allele origin: germline.
Comment: This sequence change replaces arginine, which is basic and polar, with glutamine, which is neutral and polar, at codon 161 of the GCDH protein (p.Arg161Gln). This variant is present in population databases (rs777201305, gnomAD 0.006%). This missense change has been observed in individual(s) with glutaric aciduria type I (PMID: 9600243, 10960496, 20836999, 26593172, 28781846). ClinVar contains an entry for this variant (Variation ID: 188789). Advanced modeling of protein sequence and biophysical properties (such as structural, functional, and spatial information, amino acid conservation, physicochemical variation, residue mobility, and thermodynamic stability) performed at Invitae indicates that this missense variant is not expected to disrupt GCDH protein function with a negative predictive value of 80%. Experimental studies have shown that this missense change affects GCDH function (PMID: 28062662). For these reasons, this variant has been classified as Pathogenic.

Genomic Medicine Center of Excellence, King Faisal Specialist Hospital and Research Centre
Classification: Pathogenic for Glutaric aciduria, type 1. Last evaluated: 2024-03-17. Review status: criteria provided, single submitter. Criteria: ACMG Guidelines, 2015. Collection method: research. Allele origin: germline.

Women's Health and Genetics/Laboratory Corporation of America, LabCorp
Classification: Pathogenic for Glutaric aciduria, type 1. Last evaluated: 2022-05-13. Review status: criteria provided, single submitter. Criteria: LabCorp Variant Classification Summary - May 2015. Collection method: clinical testing. Allele origin: germline.
Comment: Variant summary: GCDH c.482G>A (p.Arg161Gln) results in a conservative amino acid change located in the Acyl-CoA dehydrogenase/oxidase, N-terminal domain (IPR013786) of the encoded protein sequence. Three of five in-silico tools predict a benign effect of the variant on protein function. The variant allele was found at a frequency of 3.6e-05 in 251394 control chromosomes. c.482G>A has been reported in the literature as homozygous and compound heterozygous genotypes in individuals affected with Glutaric Acidemia Type 1 (example, Popek_2010, Busquets_2000, Christensen_2004, Wang_2014). These data indicate that the variant is very likely to be associated with disease. At least one publication reports experimental evidence evaluating an impact on protein function (Schmiesing_2017). The most pronounced variant effect results in loss of normal GCDH enzyme activity. The variant was also demonstrated to affect GCDH protein stability, protein homo-oligomerization and binding to electron transfer flavoprotein subunit -beta (ETFB) and dihydrolipoamide S-succinyltransferase (DLST), thereby impairing the formation of multimeric enzyme complexes. Seven clinical diagnostic laboratories have submitted clinical-significance assessments for this variant to ClinVar after 2014. All submitters classified the variant as pathogenic. Based on the evidence outlined above, the variant was classified as pathogenic.

Fulgent Genetics
Classification: Likely pathogenic for Glutaric aciduria, type 1. Last evaluated: 2022-04-18. Review status: criteria provided, single submitter. Criteria: ACMG Guidelines, 2015. Collection method: clinical testing. Allele origin: unknown.

Revvity Omics, Revvity
Classification: Pathogenic for Glutaric aciduria, type 1. Last evaluated: 2020-08-10. Review status: criteria provided, single submitter. Criteria: ACMG Guidelines, 2015. Collection method: clinical testing. Allele origin: germline.

Institute of Human Genetics Munich, TUM University Hospital
Classification: Pathogenic for Glutaric aciduria, type 1. Last evaluated: 2019-06-11. Review status: criteria provided, single submitter. Criteria: Classification criteria August 2017. Collection method: clinical testing. Allele origin: germline. Inheritance: Autosomal recessive inheritance. Affected: yes. Observed: 1 compound heterozygote.

Eurofins Ntd Llc (ga)
Classification: Pathogenic. Last evaluated: 2016-02-09. Review status: criteria provided, single submitter. Criteria: EGL Classification Definitions 2015. Collection method: clinical testing. Allele origin: germline. Observed: 3 variant alleles, 3 heterozygotes.

Counsyl
Classification: Pathogenic for Glutaric aciduria, type 1. Last evaluated: 2019-06-06. Review status: no assertion criteria provided. Collection method: clinical testing. Allele origin: unknown. Not counted in ClinVar's aggregate classification.

Bioscientia Institut fuer Medizinische Diagnostik GmbH, Sonic Healthcare
Classification: Pathogenic for Glutaric aciduria, type 1. Review status: no assertion criteria provided. Collection method: clinical testing. Allele origin: germline. Affected: yes. Not counted in ClinVar's aggregate classification.

Literature cited by the submitters: PubMed 26593172 (cited by 3 submitters); PubMed 31062211 (cited by Natera, Inc.); PubMed 28186668 (cited by Natera, Inc.); PubMed 9600243 (cited by 3 submitters); PubMed 29665094 (cited by 3billion and Counsyl); PubMed 10960496 (cited by 4 submitters); PubMed 20836999 (cited by 3 submitters); PubMed 28781846 (cited by Labcorp Genetics (formerly Invitae), Labcorp and Counsyl); PubMed 28062662 (cited by 3 submitters); PubMed 15505393 (cited by Women's Health and Genetics/Laboratory Corporation of America, LabCorp and Counsyl); PubMed 24332224 (cited by Women's Health and Genetics/Laboratory Corporation of America, LabCorp and Counsyl); PubMed 16488172 (cited by Eurofins Ntd Llc (ga)); PubMed 19433437 (cited by Eurofins Ntd Llc (ga) and Counsyl).

NM_000159.4(GCDH):c.482G>A (p.Arg161Gln)

Gene: GCDH (glutaryl-CoA dehydrogenase; plus strand). Cytogenetic location: 19p13.13.
Variant type: single nucleotide variant.
Coding change: c.482G>A on transcript NM_000159.4 (MANE Select); coding-DNA position 482, G replaced by A.
Protein change: p.Arg161Gln; replaces arginine 161 with glutamine.
Molecular consequence: missense variant. On other transcripts: non-coding transcript variant (2).
Genome position (GRCh38, 1-based): chr19:12,893,630, G>A. VCF-style: chr19-12893630-G-A. GRCh37 (hg19) VCF-style: chr19-13004444-G-A.
Other names: c.482G>A, p.Arg161Gln (NM_013976.5); short protein forms R161Q.
Identifiers: ClinVar variation 188789 (VCV000188789.35), dbSNP rs777201305, ClinGen allele CA273961.